The following is an entry in ClinVar:

NM_006231.4(POLE):c.1851C>T (p.Ile617=)

Gene: POLE (DNA polymerase epsilon, catalytic subunit; minus strand). Cytogenetic location: 12q24.33.
Variant type: single nucleotide variant.
Coding change: c.1851C>T on transcript NM_006231.4 (MANE Select); coding-DNA position 1851, C replaced by T.
Protein change: p.Ile617=; no amino-acid change (isoleucine 617 retained).
Molecular consequence: synonymous variant.
Genome position (GRCh38, 1-based): chr12:132,668,883, G>A on the plus strand (C>T on the coding strand, the complement: POLE is on the minus strand). VCF-style: chr12-132668883-G-A. GRCh37 (hg19) VCF-style: chr12-133245469-G-A.
Identifiers: ClinVar variation 473492 (VCV000473492.18), dbSNP rs1338582924, ClinGen allele CA482849551.

ClinVar aggregate classification (germline): Likely benign. Review status: criteria provided, multiple submitters, no conflicts (2 of 4 stars). 4 submissions from 4 submitters: Likely benign (3). 1 of the submissions does not count toward it. Last evaluated 2025-10-20.

Conditions:
Hereditary cancer-predisposing syndrome. Also called: Neoplastic Syndromes, Hereditary; Tumor predisposition; Hereditary Cancer Syndrome; Hereditary neoplastic syndrome. Identifiers: Orphanet 140162, MedGen C0027672, MeSH D009386, MONDO:0015356.
POLE-related disorder. Also called: POLE-related disorders; POLE-related condition.

Allele frequency attached by ClinVar (database versions not stated): gnomAD exomes below 0.00001; TOPMed below 0.00001; gnomAD 0.00001.
gnomAD v4.1: 4 of 1,613,916 alleles (0.00025%); highest among the groups gnomAD compares: Admixed American, 0.0017%; no homozygotes.

Submissions (4):

Labcorp Genetics (formerly Invitae), Labcorp
Classification: Likely benign. Last evaluated: 2025-10-20. Review status: criteria provided, single submitter. Criteria: Invitae Variant Classification Sherloc (09022015). Collection method: clinical testing. Allele origin: germline.

GeneDx
Classification: Likely benign. Last evaluated: 2017-06-26. Review status: criteria provided, single submitter. Criteria: GeneDx Variant Classification (06012015). Collection method: clinical testing. Allele origin: germline. Affected: yes.
Comment: This variant is considered likely benign or benign based on one or more of the following criteria: it is a conservative change, it occurs at a poorly conserved position in the protein, it is predicted to be benign by multiple in silico algorithms, and/or has population frequency not consistent with disease.

Ambry Genetics
Classification: Likely benign for Hereditary cancer-predisposing syndrome. Last evaluated: 2015-09-07. Review status: criteria provided, single submitter. Criteria: Ambry Variant Classification Scheme 2023. Collection method: clinical testing. Allele origin: germline.

PreventionGenetics, part of Exact Sciences
Classification: Likely benign for POLE-related condition. Last evaluated: 2019-11-14. Review status: no assertion criteria provided. Collection method: clinical testing. Allele origin: germline. Not counted in ClinVar's aggregate classification.
Comment: This variant is classified as likely benign based on ACMG/AMP sequence variant interpretation guidelines (Richards et al. 2015 PMID: 25741868, with internal and published modifications).